The following is an entry in ClinVar:

ClinVar aggregate classification (germline): Likely benign (1 of 4 stars; one submission).

Conditions:
Deficiency of hydroxymethylglutaryl-CoA lyase (HMGCLD). Also called: HMGCL DEFICIENCY; HYDROXYMETHYLGLUTARIC ACIDURIA; Defect in leucine metabolism; 3-hydroxy-3-methylglutaric aciduria; HMG-CoA LYASE DEFICIENCY. Identifiers: Orphanet 20, MedGen C1533587, MONDO:0009520, OMIM 246450.

Allele frequency attached by ClinVar (database versions not stated): gnomAD 0.00008 and 0.00046; TOPMed 0.00009; 1000 Genomes Project 0.00220; 1000 Genomes Project 30x 0.00234.
gnomAD v4.1: 535 of 593,222 alleles (0.09%); highest among the groups gnomAD compares: South Asian, 0.98%; 4 homozygotes.

Submission:

Illumina Laboratory Services, Illumina
Classification: Likely benign for Deficiency of hydroxymethylglutaryl-CoA lyase. Last evaluated: 2018-01-12. Review status: criteria provided, single submitter. Criteria: ICSL Variant Classification Criteria 13 December 2019. Collection method: clinical testing. Allele origin: germline.
Comment: This variant was observed in the ICSL laboratory as part of a predisposition screen in an ostensibly healthy population. It had not been previously curated by ICSL or reported in the Human Gene Mutation Database (HGMD: prior to June 1st, 2018), and was therefore a candidate for classification through an automated scoring system. Utilizing variant allele frequency, disease prevalence and penetrance estimates, and inheritance mode, an automated score was calculated to assess if this variant is too frequent to cause the disease. Based on the score and internal cut-off values, a variant classified as likely benign is not then subjected to further curation. The score for this variant resulted in a classification of likely benign for this disease.

NM_000191.3(HMGCL):c.*289G>T

Gene: HMGCL (3-hydroxy-3-methylglutaryl-CoA lyase; minus strand). Cytogenetic location: 1p36.11.
Variant type: single nucleotide variant.
Coding change: c.*289G>T on transcript NM_000191.3 (MANE Select); 289 bases downstream of the stop codon, G replaced by T.
Molecular consequence: 3 prime UTR variant.
Genome position (GRCh38, 1-based): chr1:23,802,174, C>A on the plus strand (G>T on the coding strand, the complement: HMGCL is on the minus strand). VCF-style: chr1-23802174-C-A. GRCh37 (hg19) VCF-style: chr1-24128664-C-A.
Other names: c.*289G>T (NM_001166059.2).
Identifiers: ClinVar variation 296844 (VCV000296844.5), dbSNP rs369514739, ClinGen allele CA10609630.